The following is an entry in ClinVar:

NM_016592.5(GNAS):c.713G>T (p.Gly238Val)

Genes: GNAS (GNAS complex locus; plus strand), GNAS-AS1 (GNAS antisense RNA 1; minus strand). Cytogenetic location: 20q13.32.
Variant type: single nucleotide variant.
Coding change: c.713G>T on transcript NM_016592.5 (MANE Plus Clinical); coding-DNA position 713, G replaced by T.
Protein change: p.Gly238Val; replaces glycine 238 with valine.
Molecular consequence: missense variant. On other transcripts: 5 prime UTR variant (1).
Genome position (GRCh38, 1-based): chr20:58,840,819, G>T. VCF-style: chr20-58840819-G-T. GRCh37 (hg19) VCF-style: chr20-57415874-G-T.
Other names: c.-25G>T (NM_001410912.1); short protein forms G238V.
Identifiers: ClinVar variation 2631688 (VCV002631688.1), dbSNP rs764628148, ClinGen allele CA409453460.

ClinVar aggregate classification (germline): Uncertain significance (1 of 4 stars; one submission).

Conditions:
GNAS-related disorder. Identifiers: MedGen CN380105.

Submission:

PreventionGenetics, part of Exact Sciences
Classification: Uncertain significance for GNAS-related condition. Last evaluated: 2023-06-23. Review status: criteria provided, single submitter. Criteria: ACMG Guidelines, 2015. Collection method: clinical testing. Allele origin: germline.
Comment: The GNAS c.713G>T variant is predicted to result in the amino acid substitution p.Gly238Val. In another transcript (NM_000516), this variant is also designated c.-50908G>T and is Pre-Coding. To our knowledge, this variant has not been reported in the literature or in a large population database, indicating this variant is rare. At this time, the clinical significance of this variant is uncertain due to the absence of conclusive functional and genetic evidence.